The following is an entry in ClinVar:

NM_001375524.1(TRRAP):c.551T>A (p.Val184Glu)

Gene: TRRAP (transformation/transcription domain associated protein; plus strand). Cytogenetic location: 7q22.1.
Variant type: single nucleotide variant.
Coding change: c.551T>A on transcript NM_001375524.1 (MANE Select); coding-DNA position 551, T replaced by A.
Protein change: p.Val184Glu; replaces valine 184 with glutamic acid.
Molecular consequence: missense variant.
Genome position (GRCh38, 1-based): chr7:98,897,784, T>A. VCF-style: chr7-98897784-T-A. GRCh37 (hg19) VCF-style: chr7-98495407-T-A.
Other names: c.551T>A, p.Val184Glu (NM_001244580.2, NM_003496.4); short protein forms V184E.
Identifiers: ClinVar variation 4075670 (VCV004075670.1).

ClinVar aggregate classification (germline): Uncertain significance (1 of 4 stars; one submission).

Submission:

GeneDx
Classification: Uncertain significance. Last evaluated: 2025-02-14. Review status: criteria provided, single submitter. Criteria: GeneDx Variant Classification Process June 2021. Collection method: clinical testing. Allele origin: germline. Affected: yes.
Comment: Not observed at significant frequency in large population cohorts (gnomAD); In silico analysis indicates that this missense variant does not alter protein structure/function; Has not been previously published as pathogenic or benign to our knowledge